The following is an entry in ClinVar:

ClinVar aggregate classification (germline): Pathogenic (1 of 4 stars; one submission).

Submission:

Labcorp Genetics (formerly Invitae), Labcorp
Classification: Pathogenic. Last evaluated: 2022-07-12. Review status: criteria provided, single submitter. Criteria: Invitae Variant Classification Sherloc (09022015). Collection method: clinical testing. Allele origin: germline.
Comment: This sequence change creates a premature translational stop signal (p.Ser433Ilefs*3) in the CEP78 gene. It is expected to result in an absent or disrupted protein product. Loss-of-function variants in CEP78 are known to be pathogenic (PMID: 27588451, 27588452, 27627988). This variant is not present in population databases (gnomAD no frequency). This variant has not been reported in the literature in individuals affected with CEP78-related conditions. For these reasons, this variant has been classified as Pathogenic.

Literature cited by the submitters: PubMed 27588451; PubMed 27588452; PubMed 27627988.

NM_001330691.3(CEP78):c.1292dup (p.Ser432fs)

Gene: CEP78 (centrosomal protein 78; plus strand). Cytogenetic location: 9q21.2.
Variant type: Duplication.
Coding change: c.1292dup on transcript NM_001330691.3 (MANE Select); coding-DNA position 1292, one base duplicated (C; older notation c.1292dupC).
Protein change: p.Ser432fs; shifts the reading frame from serine 432.
Molecular consequence: frameshift variant.
Genome position (GRCh38, 1-based): chr9:78,254,876, C duplicated. VCF-style (leftmost placement, unchanged base first): chr9-78254875-T-TC. GRCh37 (hg19) VCF-style: chr9-80869791-T-TC.
Other names: c.1295dup, p.Ser433fs (NM_001098802.3, NM_001349839.2, NM_001349840.2 and 1 more transcripts); c.1292dup, p.Ser432fs (NM_001330693.3, NM_001330694.2, NM_001349838.2); short protein forms S432fs, S433fs.
Identifiers: ClinVar variation 2083541 (VCV002083541.4), dbSNP rs2489471624, ClinGen allele CA2580080610.